The following is an entry in ClinVar:

ClinVar aggregate classification (germline): Uncertain significance (1 of 4 stars; one submission).

Allele frequency attached by ClinVar (database versions not stated): ExAC 0.00002; gnomAD 0.00002.
gnomAD v4.1: 19 of 1,614,076 alleles (0.0012%); highest among the groups gnomAD compares: Non-Finnish European, 0.0014%; no homozygotes.

Submission:

Labcorp Genetics (formerly Invitae), Labcorp
Classification: Uncertain significance. Last evaluated: 2025-02-11. Review status: criteria provided, single submitter. Criteria: Invitae Variant Classification Sherloc (09022015). Collection method: clinical testing. Allele origin: germline.
Comment: This sequence change replaces threonine, which is neutral and polar, with proline, which is neutral and non-polar, at codon 350 of the NFE2L2 protein (p.Thr350Pro). This variant is present in population databases (rs779519592, gnomAD 0.002%). This variant has not been reported in the literature in individuals affected with NFE2L2-related conditions. ClinVar contains an entry for this variant (Variation ID: 2900815). Invitae Evidence Modeling of protein sequence and biophysical properties (such as structural, functional, and spatial information, amino acid conservation, physicochemical variation, residue mobility, and thermodynamic stability) indicates that this missense variant is not expected to disrupt NFE2L2 protein function with a negative predictive value of 80%. In summary, the available evidence is currently insufficient to determine the role of this variant in disease. Therefore, it has been classified as a Variant of Uncertain Significance.

NM_006164.5(NFE2L2):c.1048A>C (p.Thr350Pro)

Gene: NFE2L2 (NFE2 like bZIP transcription factor 2; minus strand). Cytogenetic location: 2q31.2.
Variant type: single nucleotide variant.
Coding change: c.1048A>C on transcript NM_006164.5 (MANE Select); coding-DNA position 1048, A replaced by C.
Protein change: p.Thr350Pro; replaces threonine 350 with proline.
Molecular consequence: missense variant.
Genome position (GRCh38, 1-based): chr2:177,231,555, T>G on the plus strand (A>C on the coding strand, the complement: NFE2L2 is on the minus strand). VCF-style: chr2-177231555-T-G. GRCh37 (hg19) VCF-style: chr2-178096283-T-G.
Other names: c.1000A>C, p.Thr334Pro (NM_001145412.3, NM_001313900.1, NM_001313901.1); c.979A>C, p.Thr327Pro (NM_001145413.3); c.958A>C, p.Thr320Pro (NM_001313902.2); c.829A>C, p.Thr277Pro (NM_001313903.2); c.748A>C, p.Thr250Pro (NM_001313904.1); short protein forms T250P, T327P, T350P, T277P, T334P, T320P.
Identifiers: ClinVar variation 2900815 (VCV002900815.3), dbSNP rs779519592, ClinGen allele CA1979749.
Genomic context (GRCh38, chr2:177,231,555, plus strand): 5'-GTGTGTCTCCATAGCTGGAAGATTCCACTGAGTGTTCTGGTGATGCCACACTGGGACTTG[T>G]GTTTAGTGAAATGCCGGAGTCAGAATCATTGAATTCTGCTGTGCTTTCAGGGTGGTTTTG-3'
Protein context (NP_006155.2, residues 340-360): NDSDSGISLN[Thr350Pro]SPSVASPEHS